The following is an entry in ClinVar:

ClinVar aggregate classification (germline): Uncertain significance (1 of 4 stars; one submission).

Conditions:
Ciliary dyskinesia, primary, 37 (CILD37). Also called: CILIARY DYSKINESIA, PRIMARY, 37, WITH OR WITHOUT SITUS INVERSUS. Identifiers: MedGen C4539798, MONDO:0033204, OMIM 617577.
Spermatogenic failure 18. Identifiers: MedGen C4539783, MONDO:0054615, OMIM 617576.

Allele frequency attached by ClinVar (database versions not stated): ExAC 0.00001; gnomAD 0.00002; gnomAD exomes 0.00002 and 0.00003; TOPMed 0.00002.
gnomAD v4.1: 50 of 1,613,890 alleles (0.0031%); highest among the groups gnomAD compares: East Asian, 0.0067%; no homozygotes.

Submission:

Labcorp Genetics (formerly Invitae), Labcorp
Classification: Uncertain significance for Ciliary dyskinesia, primary, 37; Spermatogenic failure 18. Last evaluated: 2024-02-17. Review status: criteria provided, single submitter. Criteria: Invitae Variant Classification Sherloc (09022015). Collection method: clinical testing. Allele origin: germline.
Comment: This sequence change replaces arginine, which is basic and polar, with glutamine, which is neutral and polar, at codon 4250 of the DNAH1 protein (p.Arg4250Gln). This variant is present in population databases (rs539470500, gnomAD 0.004%). This variant has not been reported in the literature in individuals affected with DNAH1-related conditions. ClinVar contains an entry for this variant (Variation ID: 1446746). Advanced modeling of protein sequence and biophysical properties (such as structural, functional, and spatial information, amino acid conservation, physicochemical variation, residue mobility, and thermodynamic stability) performed at Invitae indicates that this missense variant is not expected to disrupt DNAH1 protein function with a negative predictive value of 80%. In summary, the available evidence is currently insufficient to determine the role of this variant in disease. Therefore, it has been classified as a Variant of Uncertain Significance.

NM_015512.5(DNAH1):c.12749G>A (p.Arg4250Gln)

Gene: DNAH1 (dynein axonemal heavy chain 1; plus strand). Cytogenetic location: 3p21.1.
Variant type: single nucleotide variant.
Coding change: c.12749G>A on transcript NM_015512.5 (MANE Select); coding-DNA position 12749, G replaced by A.
Protein change: p.Arg4250Gln; replaces arginine 4250 with glutamine.
Molecular consequence: missense variant.
Genome position (GRCh38, 1-based): chr3:52,400,397, G>A. VCF-style: chr3-52400397-G-A. GRCh37 (hg19) VCF-style: chr3-52434413-G-A.
Other names: short protein forms R4250Q.
Identifiers: ClinVar variation 1446746 (VCV001446746.7), dbSNP rs539470500, ClinGen allele CA2436549.